The following is an entry in ClinVar:

NM_001367624.2(ZNF469):c.10741G>A (p.Glu3581Lys)

Gene: ZNF469 (zinc finger protein 469; plus strand). Cytogenetic location: 16q24.2.
Variant type: single nucleotide variant.
Coding change: c.10741G>A on transcript NM_001367624.2 (MANE Select); coding-DNA position 10741, G replaced by A.
Protein change: p.Glu3581Lys; replaces glutamic acid 3581 with lysine.
Molecular consequence: missense variant.
Genome position (GRCh38, 1-based): chr16:88,438,211, G>A. VCF-style: chr16-88438211-G-A. GRCh37 (hg19) VCF-style: chr16-88504619-G-A.
Other names: NM_001127464.1:c.10657G>A; short protein forms E3581K.
Identifiers: ClinVar variation 1781409 (VCV001781409.6), dbSNP rs552510121, ClinGen allele CA286387208.

ClinVar aggregate classification (germline): Uncertain significance. Review status: criteria provided, multiple submitters, no conflicts (2 of 4 stars). 2 submissions from 2 submitters: Uncertain significance (2). Last evaluated 2024-07-11.

Conditions:
Cardiovascular phenotype. Identifiers: MedGen CN230736.

Allele frequency attached by ClinVar (database versions not stated): gnomAD 0.00003; 1000 Genomes Project 30x 0.00016; 1000 Genomes Project 0.00020.
gnomAD v4.1: 17 of 1,546,866 alleles (0.0011%); highest among the groups gnomAD compares: South Asian, 0.0048%; 1 homozygote.

Submissions (2):

Ambry Genetics
Classification: Uncertain significance for Cardiovascular phenotype. Last evaluated: 2024-07-11. Review status: criteria provided, single submitter. Criteria: Ambry Variant Classification Scheme 2023. Collection method: clinical testing. Allele origin: germline.
Comment: The p.E3553K variant (also known as c.10657G>A), located in coding exon 2 of the ZNF469 gene, results from a G to A substitution at nucleotide position 10657. The glutamic acid at codon 3553 is replaced by lysine, an amino acid with similar properties. This amino acid position is not well conserved in available vertebrate species, and lysine is the reference amino acid in other vertebrate species. In addition, this alteration is predicted to be tolerated by in silico analysis. Since supporting evidence is limited at this time, the clinical significance of this alteration remains unclear.

Labcorp Genetics (formerly Invitae), Labcorp
Classification: Uncertain significance. Last evaluated: 2022-06-09. Review status: criteria provided, single submitter. Criteria: Invitae Variant Classification Sherloc (09022015). Collection method: clinical testing. Allele origin: germline.
Comment: This sequence change replaces glutamic acid, which is acidic and polar, with lysine, which is basic and polar, at codon 3553 of the ZNF469 protein (p.Glu3553Lys). This variant is present in population databases (rs552510121, gnomAD 0.007%). This variant has not been reported in the literature in individuals affected with ZNF469-related conditions. Algorithms developed to predict the effect of missense changes on protein structure and function (SIFT, PolyPhen-2, Align-GVGD) all suggest that this variant is likely to be tolerated. In summary, the available evidence is currently insufficient to determine the role of this variant in disease. Therefore, it has been classified as a Variant of Uncertain Significance.